The following is an entry in ClinVar:

ClinVar aggregate classification (germline): Uncertain significance (1 of 4 stars; one submission).

Submission:

Labcorp Genetics (formerly Invitae), Labcorp
Classification: Uncertain significance. Last evaluated: 2023-09-22. Review status: criteria provided, single submitter. Criteria: Invitae Variant Classification Sherloc (09022015). Collection method: clinical testing. Allele origin: germline.
Comment: In summary, the available evidence is currently insufficient to determine the role of this variant in disease. Therefore, it has been classified as a Variant of Uncertain Significance. Advanced modeling of protein sequence and biophysical properties (such as structural, functional, and spatial information, amino acid conservation, physicochemical variation, residue mobility, and thermodynamic stability) performed at Invitae indicates that this missense variant is not expected to disrupt GRIN2D protein function. This variant has not been reported in the literature in individuals affected with GRIN2D-related conditions. The frequency data for this variant in the population databases is considered unreliable, as metrics indicate insufficient coverage at this position in the gnomAD database. This sequence change replaces arginine, which is basic and polar, with glycine, which is neutral and non-polar, at codon 1254 of the GRIN2D protein (p.Arg1254Gly).

NM_000836.4(GRIN2D):c.3760C>G (p.Arg1254Gly)

Gene: GRIN2D (glutamate ionotropic receptor NMDA type subunit 2D; plus strand). Cytogenetic location: 19q13.33.
Variant type: single nucleotide variant.
Coding change: c.3760C>G on transcript NM_000836.4 (MANE Select); coding-DNA position 3760, C replaced by G.
Protein change: p.Arg1254Gly; replaces arginine 1254 with glycine.
Molecular consequence: missense variant.
Genome position (GRCh38, 1-based): chr19:48,443,686, C>G. VCF-style: chr19-48443686-C-G. GRCh37 (hg19) VCF-style: chr19-48946943-C-G.
Other names: short protein forms R1254G.
Identifiers: ClinVar variation 2808635 (VCV002808635.3), dbSNP rs1971339242, ClinGen allele CA406678074.